The following is an entry in ClinVar:

ClinVar aggregate classification (germline): Uncertain significance (1 of 4 stars; one submission).

Submission:

Labcorp Genetics (formerly Invitae), Labcorp
Classification: Uncertain significance. Last evaluated: 2022-01-13. Review status: criteria provided, single submitter. Criteria: Invitae Variant Classification Sherloc (09022015). Collection method: clinical testing. Allele origin: germline.
Comment: This sequence change results in a frameshift in the RUSC2 gene (p.Ser1514Trpfs*19). While this is not anticipated to result in nonsense mediated decay, it is expected to disrupt the last 3 amino acid(s) of the RUSC2 protein and extend the protein by 15 additional amino acid residues. This variant is not present in population databases (gnomAD no frequency). This variant has not been reported in the literature in individuals affected with RUSC2-related conditions. Experimental studies and prediction algorithms are not available or were not evaluated, and the functional significance of this variant is currently unknown. In summary, the available evidence is currently insufficient to determine the role of this variant in disease. Therefore, it has been classified as a Variant of Uncertain Significance.

NM_014806.5(RUSC2):c.4533_4539dup (p.Ser1514fs)

Gene: RUSC2 (RUN and SH3 domain containing 2; plus strand). Cytogenetic location: 9p13.3.
Variant type: Duplication.
Coding change: c.4533_4539dup on transcript NM_014806.5 (MANE Select); coding-DNA positions 4533 to 4539, 7 bases duplicated (TGGAAGC; older notation c.4533_4539dupTGGAAGC).
Protein change: p.Ser1514fs; shifts the reading frame from serine 1514.
Molecular consequence: frameshift variant. On other transcripts: non-coding transcript variant (1).
Genome position (GRCh38, 1-based): chr9:35,561,364-35,561,370, TGGAAGC duplicated; duplicating any 7 consecutive bases within chr9:35,561,363-35,561,370 gives the same sequence; the c. name uses the placement nearest the transcript's 3' end. VCF-style (leftmost placement, unchanged base first): chr9-35561362-C-CCTGGAAG. GRCh37 (hg19) VCF-style: chr9-35561359-C-CCTGGAAG.
Other names: c.4533_4539dup, p.Ser1514fs (NM_001135999.2); c.1899_1905dup, p.Ser636fs (NM_001330740.2); short protein forms S1514fs, S636fs.
Identifiers: ClinVar variation 1347736 (VCV001347736.7), dbSNP rs2131710042, ClinGen allele CA2573144618.